The following is an entry in ClinVar:

NM_001003800.2(BICD2):c.1024A>G (p.Ile342Val)

Gene: BICD2 (BICD cargo adaptor 2; minus strand). Cytogenetic location: 9q22.31.
Variant type: single nucleotide variant.
Coding change: c.1024A>G on transcript NM_001003800.2 (MANE Select); coding-DNA position 1024, A replaced by G.
Protein change: p.Ile342Val; replaces isoleucine 342 with valine.
Molecular consequence: missense variant.
Genome position (GRCh38, 1-based): chr9:92,720,338, T>C on the plus strand (A>G on the coding strand, the complement: BICD2 is on the minus strand). VCF-style: chr9-92720338-T-C. GRCh37 (hg19) VCF-style: chr9-95482620-T-C.
Other names: c.1024A>G, p.Ile342Val (NM_015250.4); short protein forms I342V.
Identifiers: ClinVar variation 1039956 (VCV001039956.9), dbSNP rs777795062, ClinGen allele CA5126673.

ClinVar aggregate classification (germline): Uncertain significance (1 of 4 stars; one submission).

Conditions:
Autosomal dominant childhood-onset proximal spinal muscular atrophy with contractures (SMALED2A). Also called: Spinal muscular atrophy, lower extremity-predominant, 2A, autosomal dominant; SPINAL MUSCULAR ATROPHY, LOWER EXTREMITY-PREDOMINANT, 2A, CHILDHOOD ONSET, AUTOSOMAL DOMINANT. Identifiers: Orphanet 363447, Orphanet 363454, MedGen C4747715, MONDO:0014121, OMIM 615290.

Allele frequency attached by ClinVar (database versions not stated): gnomAD 0.00001; gnomAD exomes 0.00001; TOPMed 0.00001; ExAC 0.00002.
gnomAD v4.1: 4 of 1,613,302 alleles (0.00025%); highest among the groups gnomAD compares: Non-Finnish European, 0.00034%; no homozygotes.

Submission:

Labcorp Genetics (formerly Invitae), Labcorp
Classification: Uncertain significance for Autosomal dominant childhood-onset proximal spinal muscular atrophy with contractures. Last evaluated: 2023-05-31. Review status: criteria provided, single submitter. Criteria: Invitae Variant Classification Sherloc (09022015). Collection method: clinical testing. Allele origin: germline.
Comment: In summary, the available evidence is currently insufficient to determine the role of this variant in disease. Therefore, it has been classified as a Variant of Uncertain Significance. Advanced modeling of protein sequence and biophysical properties (such as structural, functional, and spatial information, amino acid conservation, physicochemical variation, residue mobility, and thermodynamic stability) performed at Invitae indicates that this missense variant is not expected to disrupt BICD2 protein function. ClinVar contains an entry for this variant (Variation ID: 1039956). This variant has not been reported in the literature in individuals affected with BICD2-related conditions. This variant is present in population databases (rs777795062, gnomAD 0.003%). This sequence change replaces isoleucine, which is neutral and non-polar, with valine, which is neutral and non-polar, at codon 342 of the BICD2 protein (p.Ile342Val).